The following is an entry in ClinVar:

ClinVar aggregate classification (germline): Uncertain significance. Review status: criteria provided, multiple submitters, no conflicts (2 of 4 stars). 2 submissions from 2 submitters: Uncertain significance (2). Last evaluated 2025-01-29.

gnomAD v4.1: 6 of 1,614,030 alleles (0.00037%); highest among the groups gnomAD compares: Admixed American, 0.0067%; no homozygotes.

Submissions (2):

Ambry Genetics
Classification: Uncertain significance. Last evaluated: 2025-01-29. Review status: criteria provided, single submitter. Criteria: Ambry Variant Classification Scheme 2023. Collection method: clinical testing. Allele origin: germline.

GeneDx
Classification: Uncertain significance. Last evaluated: 2024-09-23. Review status: criteria provided, single submitter. Criteria: GeneDx Variant Classification Process June 2021. Collection method: clinical testing. Allele origin: germline. Affected: yes.
Comment: In silico analysis indicates that this missense variant does not alter protein structure/function; Has not been previously published as pathogenic or benign to our knowledge

NM_001353694.2(TIAM1):c.3074C>G (p.Thr1025Arg)

Gene: TIAM1 (TIAM Rac1 associated GEF 1; minus strand). Cytogenetic location: 21q22.11.
Variant type: single nucleotide variant.
Coding change: c.3074C>G on transcript NM_001353694.2 (MANE Select); coding-DNA position 3074, C replaced by G.
Protein change: p.Thr1025Arg; replaces threonine 1025 with arginine.
Molecular consequence: missense variant.
Genome position (GRCh38, 1-based): chr21:31,154,344, G>C on the plus strand (C>G on the coding strand, the complement: TIAM1 is on the minus strand). VCF-style: chr21-31154344-G-C. GRCh37 (hg19) VCF-style: chr21-32526662-G-C.
Other names: c.173C>G, p.Thr58Arg (NM_001353684.2); c.98C>G, p.Thr33Arg (NM_001353685.2); c.2999C>G, p.Thr1000Arg (NM_001353686.2, NM_001353687.2); c.3074C>G, p.Thr1025Arg (NM_001353688.1, NM_001353689.1, NM_001353690.1 and 4 more transcripts); short protein forms T1000R, T1025R, T33R, T58R.
Identifiers: ClinVar variation 3774194 (VCV003774194.2).